The following is an entry in ClinVar:

NM_198428.3(BBS9):c.2099A>G (p.Asp700Gly)

Gene: BBS9 (Bardet-Biedl syndrome 9; plus strand). Cytogenetic location: 7p14.3.
Variant type: single nucleotide variant.
Coding change: c.2099A>G on transcript NM_198428.3 (MANE Select); coding-DNA position 2099, A replaced by G.
Protein change: p.Asp700Gly; replaces aspartic acid 700 with glycine.
Molecular consequence: missense variant. On other transcripts: non-coding transcript variant (3).
Genome position (GRCh38, 1-based): chr7:33,388,128, A>G. VCF-style: chr7-33388128-A-G. GRCh37 (hg19) VCF-style: chr7-33427740-A-G.
Other names: c.1994A>G, p.Asp665Gly (NM_001033604.2); c.2084A>G, p.Asp695Gly (NM_001033605.2); c.2099A>G, p.Asp700Gly (NM_001348036.1, NM_001348041.4, NM_001348043.3 and 1 more transcripts); c.1733A>G, p.Asp578Gly (NM_001348037.3, NM_001348045.3, NM_001348046.3); c.1826A>G, p.Asp609Gly (NM_001348038.3); c.1721A>G, p.Asp574Gly (NM_001348039.3); c.1979A>G, p.Asp660Gly (NM_001348040.3, NM_014451.4); c.1964A>G, p.Asp655Gly (NM_001348042.3); and 2 more; short protein forms D574G, D660G, D578G, D655G, D543G, D700G, D609G, D665G.
Identifiers: ClinVar variation 1380944 (VCV001380944.7), dbSNP rs763790518, ClinGen allele CA4214595.

ClinVar aggregate classification (germline): Uncertain significance. Review status: criteria provided, multiple submitters, no conflicts (2 of 4 stars). 2 submissions from 2 submitters: Uncertain significance (2). Last evaluated 2025-12-04.

Conditions:
Bardet-Biedl syndrome (BBS). Identifiers: Orphanet 110, MedGen C0752166, MONDO:0015229.
BBS9-related disorder. Also called: BBS9-related condition.

Allele frequency attached by ClinVar (database versions not stated): gnomAD exomes below 0.00001 and 0.00001; ExAC 0.00001.
gnomAD v4.1: 5 of 1,614,146 alleles (0.00031%); highest among the groups gnomAD compares: Admixed American, 0.0033%; no homozygotes.

Submissions (2):

PreventionGenetics, part of Exact Sciences
Classification: Uncertain significance for BBS9-related condition. Last evaluated: 2025-12-04. Review status: criteria provided, single submitter. Criteria: ACMG Guidelines, 2015. Collection method: clinical testing. Allele origin: germline.
Comment: The BBS9 c.2099A>G variant is predicted to result in the amino acid substitution p.Asp700Gly. To our knowledge, this variant has not been reported in the literature. This variant is reported in 0.0058% of alleles in individuals of Latino descent in gnomAD. At this time, the clinical significance of this variant is uncertain due to the absence of conclusive functional and genetic evidence.

Labcorp Genetics (formerly Invitae), Labcorp
Classification: Uncertain significance for Bardet-Biedl syndrome. Last evaluated: 2021-10-02. Review status: criteria provided, single submitter. Criteria: Invitae Variant Classification Sherloc (09022015). Collection method: clinical testing. Allele origin: germline.
Comment: Algorithms developed to predict the effect of missense changes on protein structure and function are either unavailable or do not agree on the potential impact of this missense change (SIFT: "Deleterious"; PolyPhen-2: "Possibly Damaging"; Align-GVGD: "Class C0"). In summary, the available evidence is currently insufficient to determine the role of this variant in disease. Therefore, it has been classified as a Variant of Uncertain Significance. This variant has not been reported in the literature in individuals affected with BBS9-related conditions. This variant is present in population databases (rs763790518, ExAC 0.009%). This sequence change replaces aspartic acid with glycine at codon 700 of the BBS9 protein (p.Asp700Gly). The aspartic acid residue is highly conserved and there is a moderate physicochemical difference between aspartic acid and glycine.